The following is an entry in ClinVar:

NM_001035.3(RYR2):c.75C>T (p.Thr25=)

Gene: RYR2 (ryanodine receptor 2; plus strand). Cytogenetic location: 1q43.
Variant type: single nucleotide variant.
Coding change: c.75C>T on transcript NM_001035.3 (MANE Select); coding-DNA position 75, C replaced by T.
Protein change: p.Thr25=; no amino-acid change (threonine 25 retained).
Molecular consequence: synonymous variant.
Genome position (GRCh38, 1-based): chr1:237,270,523, C>T. VCF-style: chr1-237270523-C-T. GRCh37 (hg19) VCF-style: chr1-237433823-C-T.
Other names: c.75C>T (NM_001035.2).
Identifiers: ClinVar variation 923832 (VCV000923832.53), dbSNP rs751027523, ClinGen allele CA087432.
Genomic context (GRCh38, chr1:237,270,523, plus strand): 5'-ACTTATTTTTCCCTCTCTTTCTCCCCCTTTGCAGGATGATGAAGTGGTTCTGCAGTGCAC[C>T]GCAACCATCCACAAAGAACAACAGAAGCTATGCTTGGCAGCAGAAGGATTTGGCAACAGA-3'
Protein context (NP_001026.2, residues 15-35): RTDDEVVLQC[Thr25=]ATIHKEQQKL

ClinVar aggregate classification (germline): Likely benign. Review status: criteria provided, multiple submitters, no conflicts (2 of 4 stars). 5 submissions from 5 submitters: Likely benign (5). Last evaluated 2025-12-26.

Conditions:
Catecholaminergic polymorphic ventricular tachycardia (CVPT). Also called: Catecholamine-induced polymorphic ventricular tachycardia. Identifiers: Orphanet 3286, MedGen C5574922, MONDO:0017990.
Catecholaminergic polymorphic ventricular tachycardia 1. Also called: RYR2-Related Catecholaminergic Polymorphic Ventricular Tachycardia; VENTRICULAR TACHYCARDIA, STRESS-INDUCED POLYMORPHIC 1; VENTRICULAR TACHYCARDIA, CATECHOLAMINERGIC POLYMORPHIC, 1, WITH OR WITHOUT ATRIAL DYSFUNCTION AND/OR DILATED CARDIOMYOPATHY. Identifiers: Orphanet 3286, MedGen C1631597, MONDO:0011484, OMIM 604772.
Cardiovascular phenotype. Identifiers: MedGen CN230736.
Cardiomyopathy (CMYO). Also called: Cardiomyopathies. Identifiers: Orphanet 167848, MedGen C0878544, MONDO:0004994, HP:0001638. Inheritance: Various modes of inheritance.

Allele frequency attached by ClinVar (database versions not stated): gnomAD 0.00001; gnomAD exomes 0.00001 and 0.00003; ExAC 0.00005.
gnomAD v4.1: 16 of 1,590,986 alleles (0.001%); highest among the groups gnomAD compares: South Asian, 0.011%; no homozygotes.

Submissions (5):

Labcorp Genetics (formerly Invitae), Labcorp
Classification: Likely benign for Catecholaminergic polymorphic ventricular tachycardia 1. Last evaluated: 2025-12-26. Review status: criteria provided, single submitter. Criteria: Invitae Variant Classification Sherloc (09022015). Collection method: clinical testing. Allele origin: germline.

Blueprint Genetics
Classification: Likely benign. Last evaluated: 2023-05-08. Review status: criteria provided, single submitter. Criteria: ACMG Guidelines, 2015. Collection method: clinical testing. Allele origin: germline.

All of Us Research Program, National Institutes of Health
Classification: Likely benign for Catecholaminergic polymorphic ventricular tachycardia. Last evaluated: 2023-04-03. Review status: criteria provided, single submitter. Criteria: ACMG Guidelines, 2015. Collection method: clinical testing. Allele origin: germline. Inheritance: Autosomal dominant inheritance. Observed: 1 variant allele, 1 heterozygote.
Comment: This study involves interpretation of variants in research participants for the purpose of population health screening. Participant phenotype was not available at the time of variant classification. Additional details can be found in publication PMID: 35346344, PMCID: PMC8962531

Ambry Genetics
Classification: Likely benign for Cardiovascular phenotype. Last evaluated: 2019-07-28. Review status: criteria provided, single submitter. Criteria: Ambry Variant Classification Scheme 2023. Collection method: clinical testing. Allele origin: germline.

Color Diagnostics, LLC DBA Color Health
Classification: Likely benign for Cardiomyopathy. Last evaluated: 2018-11-09. Review status: criteria provided, single submitter. Criteria: ACMG Guidelines, 2015. Collection method: clinical testing. Allele origin: germline.